The following is an entry in ClinVar:

ClinVar aggregate classification (germline): Uncertain significance (1 of 4 stars; one submission).

Conditions:
Megalencephaly-polymicrogyria-postaxial polydactyly-hydrocephalus syndrome. Also called: MEG-PMG-MEGACC SYNDROME; MPPH Syndrome. Identifiers: Orphanet 83473, MedGen C1863924, MONDO:0019375.

Allele frequency attached by ClinVar (database versions not stated): gnomAD 0.00004; TOPMed 0.00005; gnomAD exomes 0.00007; ExAC 0.00012.

Submission:

Labcorp Genetics (formerly Invitae), Labcorp
Classification: Uncertain significance for Megalencephaly-polymicrogyria-postaxial polydactyly-hydrocephalus syndrome. Last evaluated: 2023-06-25. Review status: criteria provided, single submitter. Criteria: Invitae Variant Classification Sherloc (09022015). Collection method: clinical testing. Allele origin: germline.
Comment: In summary, the available evidence is currently insufficient to determine the role of this variant in disease. Therefore, it has been classified as a Variant of Uncertain Significance. Advanced modeling of protein sequence and biophysical properties (such as structural, functional, and spatial information, amino acid conservation, physicochemical variation, residue mobility, and thermodynamic stability) performed at Invitae indicates that this missense variant is not expected to disrupt PIK3R2 protein function. ClinVar contains an entry for this variant (Variation ID: 1024526). This variant has not been reported in the literature in individuals affected with PIK3R2-related conditions. This variant is present in population databases (rs200508580, gnomAD 0.02%). This sequence change replaces methionine, which is neutral and non-polar, with isoleucine, which is neutral and non-polar, at codon 476 of the PIK3R2 protein (p.Met476Ile).

NM_005027.4(PIK3R2):c.1428G>T (p.Met476Ile)

Gene: PIK3R2 (phosphoinositide-3-kinase regulatory subunit 2; plus strand). Cytogenetic location: 19p13.11.
Variant type: single nucleotide variant.
Coding change: c.1428G>T on transcript NM_005027.4 (MANE Select); coding-DNA position 1428, G replaced by T.
Protein change: p.Met476Ile; replaces methionine 476 with isoleucine.
Molecular consequence: missense variant. On other transcripts: non-coding transcript variant (2).
Genome position (GRCh38, 1-based): chr19:18,166,171, G>T. VCF-style: chr19-18166171-G-T. GRCh37 (hg19) VCF-style: chr19-18276981-G-T.
Other names: short protein forms M476I.
Identifiers: ClinVar variation 1024526 (VCV001024526.8), dbSNP rs200508580, ClinGen allele CA9307032.
Genomic context (GRCh38, chr19:18,166,171, plus strand): 5'-GGCCTTTTGGGGAGTCCCAGGAGGTGCTGAGCTGCGCCCCCTCCTCCAGGAGCTGCAGAT[G>T]AAGCGTACTGCAATTGAGGCCTTCAATGAGACTATCAAGATCTTTGAAGAGCAGGGCCAG-3'
Protein context (NP_005018.2, residues 466-486): EYTRTSQELQ[Met476Ile]KRTAIEAFNE